The following is an entry in ClinVar:

NM_004168.4(SDHA):c.1116T>G (p.Pro372=)

Gene: SDHA (succinate dehydrogenase complex flavoprotein subunit A; plus strand). Cytogenetic location: 5p15.33.
Variant type: single nucleotide variant.
Coding change: c.1116T>G on transcript NM_004168.4 (MANE Select); coding-DNA position 1116, T replaced by G.
Protein change: p.Pro372=; no amino-acid change (proline 372 retained).
Molecular consequence: synonymous variant.
Genome position (GRCh38, 1-based): chr5:235,195, T>G. VCF-style: chr5-235195-T-G. GRCh37 (hg19) VCF-style: chr5-235310-T-G.
Other names: c.972T>G, p.Pro324= (NM_001294332.2); c.1116T>G, p.Pro372= (NM_001330758.2).
Identifiers: ClinVar variation 1581740 (VCV001581740.11), dbSNP rs1735691014, ClinGen allele CA442691952.

ClinVar aggregate classification (germline): Benign/Likely benign. Review status: criteria provided, multiple submitters, no conflicts (2 of 4 stars). 3 submissions from 3 submitters: Benign (1); Likely benign (2). Last evaluated 2025-03-07.

Conditions:
Pheochromocytoma/paraganglioma syndrome 5. Also called: Paragangliomas 5; SDHA-Related Hereditary Paraganglioma-Pheochromocytoma Syndrome. Identifiers: Orphanet 29072, MedGen C3279992, MONDO:0013602, OMIM 614165.
Mitochondrial complex II deficiency, nuclear type 1. Also called: SUCCINATE CoQ REDUCTASE DEFICIENCY. Identifiers: Orphanet 3208, MedGen C5700310, MONDO:0100294, OMIM 252011.
Hereditary cancer-predisposing syndrome. Also called: Tumor predisposition; Hereditary Cancer Syndrome; Hereditary neoplastic syndrome; Neoplastic Syndromes, Hereditary. Identifiers: Orphanet 140162, MedGen C0027672, MeSH D009386, MONDO:0015356.

Submissions (3):

Myriad Genetics, Inc.
Classification: Benign for Pheochromocytoma/paraganglioma syndrome 5. Last evaluated: 2025-03-07. Review status: criteria provided, single submitter. Criteria: Myriad Autosomal Dominant, Autosomal Recessive and X-Linked Classification Criteria (2023). Collection method: clinical testing. Allele origin: unknown.
Comment: This variant is considered benign. This variant is a silent/synonymous amino acid change and it is not expected to impact splicing.

Labcorp Genetics (formerly Invitae), Labcorp
Classification: Likely benign for Pheochromocytoma/paraganglioma syndrome 5; Mitochondrial complex II deficiency, nuclear type 1. Last evaluated: 2022-04-26. Review status: criteria provided, single submitter. Criteria: Invitae Variant Classification Sherloc (09022015). Collection method: clinical testing. Allele origin: germline.

Ambry Genetics
Classification: Likely benign for Hereditary cancer-predisposing syndrome. Last evaluated: 2020-10-16. Review status: criteria provided, single submitter. Criteria: Ambry Variant Classification Scheme 2023. Collection method: clinical testing. Allele origin: germline.